The following is an entry in ClinVar:

ClinVar aggregate classification (germline): Uncertain significance (1 of 4 stars; one submission).

Conditions:
Holoprosencephaly 9 (HPE9). Also called: PITUITARY ANOMALIES WITH HOLOPROSENCEPHALY-LIKE FEATURES; HOLOPROSENCEPHALY WITH MICROPHTHALMIA AND FIRST BRANCHIAL ARCH ANOMALIES. Identifiers: Orphanet 2162, MedGen C1835819, MONDO:0012563, OMIM 610829.
Postaxial polydactyly-anterior pituitary anomalies-facial dysmorphism syndrome. Also called: Culler-Jones syndrome. Identifiers: Orphanet 420584, MedGen C4014479, MONDO:0014369, OMIM 615849.

Allele frequency attached by ClinVar (database versions not stated): ExAC 0.00001; gnomAD 0.00001; gnomAD exomes 0.00007; ESP Exome Variant Server 0.00015.
gnomAD v4.1: 101 of 1,613,996 alleles (0.0063%); highest among the groups gnomAD compares: Non-Finnish European, 0.0083%; no homozygotes.

Submission:

Labcorp Genetics (formerly Invitae), Labcorp
Classification: Uncertain significance for Postaxial polydactyly-anterior pituitary anomalies-facial dysmorphism syndrome; Holoprosencephaly 9. Last evaluated: 2022-11-27. Review status: criteria provided, single submitter. Criteria: Invitae Variant Classification Sherloc (09022015). Collection method: clinical testing. Allele origin: germline.
Comment: This sequence change replaces asparagine, which is neutral and polar, with lysine, which is basic and polar, at codon 438 of the GLI2 protein (p.Asn438Lys). This variant is present in population databases (rs140424202, gnomAD 0.007%). This variant has not been reported in the literature in individuals affected with GLI2-related conditions. Advanced modeling of protein sequence and biophysical properties (such as structural, functional, and spatial information, amino acid conservation, physicochemical variation, residue mobility, and thermodynamic stability) performed at Invitae indicates that this missense variant is expected to disrupt GLI2 protein function. In summary, the available evidence is currently insufficient to determine the role of this variant in disease. Therefore, it has been classified as a Variant of Uncertain Significance.

NM_001374353.1(GLI2):c.1263C>G (p.Asn421Lys)

Gene: GLI2 (GLI family zinc finger 2; plus strand). Cytogenetic location: 2q14.2.
Variant type: single nucleotide variant.
Coding change: c.1263C>G on transcript NM_001374353.1 (MANE Select); coding-DNA position 1263, C replaced by G.
Protein change: p.Asn421Lys; replaces asparagine 421 with lysine.
Molecular consequence: missense variant.
Genome position (GRCh38, 1-based): chr2:120,975,055, C>G. VCF-style: chr2-120975055-C-G. GRCh37 (hg19) VCF-style: chr2-121732631-C-G.
Other names: c.1314C>G, p.Asn438Lys (NM_001371271.1, NM_005270.5); c.888C>G, p.Asn296Lys (NM_001374354.1); short protein forms N296K, N421K, N438K.
Identifiers: ClinVar variation 2941923 (VCV002941923.3), dbSNP rs140424202, ClinGen allele CA1851855.